The following is an entry in ClinVar:

ClinVar aggregate classification (germline): Conflicting classifications of pathogenicity. Review status: criteria provided, conflicting classifications (1 of 4 stars). 3 submissions from 3 submitters: Uncertain significance (2); Likely benign (1). Last evaluated 2023-05-04.

Conditions:
Hereditary breast ovarian cancer syndrome. Also called: Hereditary breast and ovarian cancer; Hereditary breast and/or ovarian cancer syndrome; BRCA1- and BRCA2-Associated Hereditary Breast and Ovarian Cancer; Hereditary breast and ovarian cancer syndrome; Hereditary breast and ovarian cancer syndrome (HBOC); Breast and ovarian cancer. Identifiers: Orphanet 145, MedGen C0677776, MeSH D061325, MONDO:0003582. Disease mechanism: loss of function.
Hereditary cancer-predisposing syndrome. Also called: Tumor predisposition; Hereditary Cancer Syndrome; Hereditary neoplastic syndrome; Neoplastic Syndromes, Hereditary. Identifiers: Orphanet 140162, MedGen C0027672, MeSH D009386, MONDO:0015356.

Submissions (3):

Labcorp Genetics (formerly Invitae), Labcorp
Classification: Uncertain significance for Hereditary breast ovarian cancer syndrome. Last evaluated: 2023-05-04. Review status: criteria provided, single submitter. Criteria: Invitae Variant Classification Sherloc (09022015). Collection method: clinical testing. Allele origin: germline.
Comment: This variant is not present in population databases (gnomAD no frequency). In summary, the available evidence is currently insufficient to determine the role of this variant in disease. Therefore, it has been classified as a Variant of Uncertain Significance. Advanced modeling of protein sequence and biophysical properties (such as structural, functional, and spatial information, amino acid conservation, physicochemical variation, residue mobility, and thermodynamic stability) performed at Invitae indicates that this missense variant is not expected to disrupt BRCA2 protein function. ClinVar contains an entry for this variant (Variation ID: 409430). This variant has not been reported in the literature in individuals affected with BRCA2-related conditions. This sequence change replaces asparagine, which is neutral and polar, with aspartic acid, which is acidic and polar, at codon 623 of the BRCA2 protein (p.Asn623Asp).

University of Washington Department of Laboratory Medicine, University of Washington
Classification: Likely benign for Hereditary cancer-predisposing syndrome. Last evaluated: 2023-03-23. Review status: criteria provided, single submitter. Criteria: Dines et al. (Genet Med. 2020). Collection method: curation. Allele origin: germline.
Comment: Missense variant in a coldspot region where missense variants are very unlikely to be pathogenic (PMID:31911673).

BRCA2 exon 10 coldspot. Reclassification based on statistical prior probability.

Ambry Genetics
Classification: Uncertain significance for Hereditary cancer-predisposing syndrome. Last evaluated: 2017-06-14. Review status: criteria provided, single submitter. Criteria: Ambry Variant Classification Scheme 2023. Collection method: clinical testing. Allele origin: germline.
Comment: The p.N623D variant (also known as c.1867A>G), located in coding exon 9 of the BRCA2 gene, results from an A to G substitution at nucleotide position 1867. The asparagine at codon 623 is replaced by aspartic acid, an amino acid with highly similar properties. This amino acid position is poorly conserved in available vertebrate species. In addition, this alteration is predicted to be tolerated by in silico analysis. Since supporting evidence is limited at this time, the clinical significance of this alteration remains unclear.

NM_000059.4(BRCA2):c.1867A>G (p.Asn623Asp)

Gene: BRCA2 (BRCA2 DNA repair associated; plus strand). Cytogenetic location: 13q13.1.
Variant type: single nucleotide variant.
Coding change: c.1867A>G on transcript NM_000059.4 (MANE Select); coding-DNA position 1867, A replaced by G.
Protein change: p.Asn623Asp; replaces asparagine 623 with aspartic acid.
Molecular consequence: missense variant.
Genome position (GRCh38, 1-based): chr13:32,333,345, A>G. VCF-style: chr13-32333345-A-G. GRCh37 (hg19) VCF-style: chr13-32907482-A-G.
Other names: short protein forms N623D.
Identifiers: ClinVar variation 409430 (VCV000409430.17), dbSNP rs1060502388, ClinGen allele CA16613846.